The following is an entry in ClinVar:

ClinVar aggregate classification (germline): Uncertain significance (1 of 4 stars; one submission).

Conditions:
Bardet-Biedl syndrome (BBS). Identifiers: Orphanet 110, MedGen C0752166, MONDO:0015229.

Allele frequency attached by ClinVar (database versions not stated): gnomAD exomes below 0.00001.
gnomAD v4.1: 1 of 1,611,942 alleles (0.000062%); highest among the groups gnomAD compares: Admixed American, 0.0017%; no homozygotes.

Submission:

Labcorp Genetics (formerly Invitae), Labcorp
Classification: Uncertain significance for Bardet-Biedl syndrome. Last evaluated: 2021-07-31. Review status: criteria provided, single submitter. Criteria: Invitae Variant Classification Sherloc (09022015). Collection method: clinical testing. Allele origin: germline.
Comment: Algorithms developed to predict the effect of missense changes on protein structure and function are either unavailable or do not agree on the potential impact of this missense change (SIFT: "Deleterious"; PolyPhen-2: "Benign"; Align-GVGD: "Class C0"). This sequence change replaces tyrosine with cysteine at codon 225 of the TTC8 protein (p.Tyr225Cys). The tyrosine residue is moderately conserved and there is a large physicochemical difference between tyrosine and cysteine. This variant is not present in population databases (ExAC no frequency). This variant has not been reported in the literature in individuals affected with TTC8-related conditions. In summary, the available evidence is currently insufficient to determine the role of this variant in disease. Therefore, it has been classified as a Variant of Uncertain Significance.

NM_144596.4(TTC8):c.704A>G (p.Tyr235Cys)

Gene: TTC8 (tetratricopeptide repeat domain 8; plus strand). Cytogenetic location: 14q31.3.
Variant type: single nucleotide variant.
Coding change: c.704A>G on transcript NM_144596.4 (MANE Select); coding-DNA position 704, A replaced by G.
Protein change: p.Tyr235Cys; replaces tyrosine 235 with cysteine.
Molecular consequence: missense variant. On other transcripts: 5 prime UTR variant (1), non-coding transcript variant (1).
Genome position (GRCh38, 1-based): chr14:88,853,050, A>G. VCF-style: chr14-88853050-A-G. GRCh37 (hg19) VCF-style: chr14-89319394-A-G.
Other names: c.752A>G, p.Tyr251Cys (NM_001288781.1); c.110A>G, p.Tyr37Cys (NM_001288782.1); c.-14A>G (NM_001288783.1); c.674A>G, p.Tyr225Cys (NM_001366535.2, NM_198309.3); c.584A>G, p.Tyr195Cys (NM_001366536.2, NM_198310.3); short protein forms Y225C, Y195C, Y235C, Y251C, Y37C.
Identifiers: ClinVar variation 1465606 (VCV001465606.6), dbSNP rs1445461942, ClinGen allele CA390545006.